The following is an entry in ClinVar:

ClinVar aggregate classification (germline): Uncertain significance (1 of 4 stars; one submission).

Conditions:
Autosomal recessive limb-girdle muscular dystrophy type 2J (LGMDR10). Also called: Limb-girdle muscular dystrophy, type 2J; MUSCULAR DYSTROPHY, LIMB-GIRDLE, AUTOSOMAL RECESSIVE 10. Identifiers: Orphanet 140922, MedGen C1837342, MONDO:0012127, OMIM 608807.
Dilated cardiomyopathy 1G (CMD1G). Identifiers: Orphanet 154, MedGen C1858763, MONDO:0011400, OMIM 604145.

gnomAD v4.1: 1 of 1,611,722 alleles (0.000062%); highest among the groups gnomAD compares: African/African-American, 0.0014%; no homozygotes.

Submission:

Labcorp Genetics (formerly Invitae), Labcorp
Classification: Uncertain significance for Dilated cardiomyopathy 1G; Autosomal recessive limb-girdle muscular dystrophy type 2J. Last evaluated: 2025-01-07. Review status: criteria provided, single submitter. Criteria: Invitae Variant Classification Sherloc (09022015). Collection method: clinical testing. Allele origin: germline.
Comment: This sequence change replaces valine, which is neutral and non-polar, with alanine, which is neutral and non-polar, at codon 35241 of the TTN protein (p.Val35241Ala). This variant is present in population databases (no rsID available, gnomAD 0.007%). This variant has not been reported in the literature in individuals affected with TTN-related conditions. An algorithm developed to predict the effect of missense changes on protein structure and function outputs the following: PolyPhen-2: "Not Available". The alanine amino acid residue is found in multiple mammalian species, which suggests that this missense change does not adversely affect protein function. This variant is located in the M band of TTN (PMID: 25589632). Non-truncating variants in this region may be relevant for neuromuscular disorders, but have not been definitively shown to cause cardiomyopathy (PMID: 23975875). In summary, the available evidence is currently insufficient to determine the role of this variant in disease. Therefore, it has been classified as a Variant of Uncertain Significance.

Literature cited by the submitters: PubMed 25589632; PubMed 23975875.

NM_001267550.2(TTN):c.105722T>C (p.Val35241Ala)

Genes: TTN-AS1 (TTN antisense RNA 1; plus strand), TTN (titin; minus strand), LOC129935183 (ATAC-STARR-seq lymphoblastoid active region 16808; plus strand). Cytogenetic location: 2q31.2.
Variant type: single nucleotide variant.
Coding change: c.105722T>C on transcript NM_001267550.2 (MANE Select); coding-DNA position 105722, T replaced by C.
Protein change: p.Val35241Ala; replaces valine 35241 with alanine.
Molecular consequence: missense variant.
Genome position (GRCh38, 1-based): chr2:178,530,893, A>G on the plus strand (T>C on the coding strand, the complement: TTN is on the minus strand). VCF-style: chr2-178530893-A-G. GRCh37 (hg19) VCF-style: chr2-179395620-A-G.
Other names: c.100799T>C, p.Val33600Ala (NM_001256850.1); c.78527T>C, p.Val26176Ala (NM_003319.4); c.98018T>C, p.Val32673Ala (NM_133378.4); c.78902T>C, p.Val26301Ala (NM_133432.3); c.79103T>C, p.Val26368Ala (NM_133437.4); short protein forms V26176A, V26301A, V26368A, V32673A, V33600A, V35241A.
Identifiers: ClinVar variation 3752767 (VCV003752767.2).
Genomic context (GRCh38, chr2:178,530,893, plus strand): 5'-GGGTGAGAAGGTTCTGGAGATTTCACTCGTTTTGGAGACTTAACTGCTTCTGGGGATTTC[A>G]CCCGAGGCTCTGGGGATTTGACTCTTGGTGGTGATGTCACAGCCTTTTCAGTTACCCTGG-3'
Protein context (NP_001254479.2, residues 35231-35251): PPRVKSPEPR[Val35241Ala]KSPEAVKSPK